The following is an entry in ClinVar:

ClinVar aggregate classification (germline): Uncertain significance. Review status: criteria provided, multiple submitters, no conflicts (2 of 4 stars). 3 submissions from 3 submitters: Uncertain significance (3). Last evaluated 2026-01-06.

Conditions:
Aortic valve disease 2 (AOVD2). Identifiers: MedGen C3542024, MONDO:0013902, OMIM 614823.
Inborn genetic diseases. Identifiers: MedGen C0950123, MeSH D030342.

Allele frequency attached by ClinVar (database versions not stated): gnomAD 0.00003.
gnomAD v4.1: 43 of 1,349,184 alleles (0.0032%); highest among the groups gnomAD compares: South Asian, 0.079%; 1 homozygote.

Submissions (3):

Ambry Genetics
Classification: Uncertain significance for Inborn genetic diseases. Last evaluated: 2026-01-06. Review status: criteria provided, single submitter. Criteria: Ambry Variant Classification Scheme 2023. Collection method: clinical testing. Allele origin: germline.
Comment: The p.E51D variant (also known as c.153G>C), located in coding exon 1 of the SMAD6 gene, results from a G to C substitution at nucleotide position 153. The glutamic acid at codon 51 is replaced by aspartic acid, an amino acid with highly similar properties. This amino acid position is conserved. In addition, this alteration is predicted to be tolerated by in silico analysis. Based on the available evidence, the clinical significance of this variant remains unclear.

Labcorp Genetics (formerly Invitae), Labcorp
Classification: Uncertain significance for Aortic valve disease 2. Last evaluated: 2025-03-28. Review status: criteria provided, single submitter. Criteria: Invitae Variant Classification Sherloc (09022015). Collection method: clinical testing. Allele origin: germline.
Comment: This sequence change replaces glutamic acid, which is acidic and polar, with aspartic acid, which is acidic and polar, at codon 51 of the SMAD6 protein (p.Glu51Asp). This variant is not present in population databases (gnomAD no frequency). This variant has not been reported in the literature in individuals affected with SMAD6-related conditions. ClinVar contains an entry for this variant (Variation ID: 2076439). An algorithm developed to predict the effect of missense changes on protein structure and function (PolyPhen-2) suggests that this variant is likely to be tolerated. In summary, the available evidence is currently insufficient to determine the role of this variant in disease. Therefore, it has been classified as a Variant of Uncertain Significance.

Neuberg Centre For Genomic Medicine, NCGM
Classification: Uncertain significance for Aortic valve disease 2. Review status: criteria provided, single submitter. Criteria: ACMG Guidelines, 2015. Collection method: clinical testing. Allele origin: germline. Inheritance: Autosomal dominant inheritance. Affected: yes.
Comment: The missense variant p.E51D in SMAD6 (NM_005585.5) has not been reported previously as a pathogenic variant nor as a benign variant, to our knowledge. The amino acid Glu at position 51 is changed to a Asp changing protein sequence and it might alter its composition and physico-chemical properties. The variant is novel (not in any individuals) in gnomAD Exomes and in 1000 Genomes. There is a small physicochemical difference between glutamic acid and aspartic acid, which is not likely to impact secondary protein structure as these residues share similar properties. In silico tools predict the variant to be tolerated. The residue is conserved across species. The amino acid change p.Glu51Asp in SMAD6 is predicted as conserved by GERP++ and PhyloP across 100 vertebrates. For these reasons, this variant has been classified as Uncertain Significance.

NM_005585.5(SMAD6):c.153G>C (p.Glu51Asp)

Gene: SMAD6 (SMAD family member 6; plus strand). Cytogenetic location: 15q22.31.
Variant type: single nucleotide variant.
Coding change: c.153G>C on transcript NM_005585.5 (MANE Select); coding-DNA position 153, G replaced by C.
Protein change: p.Glu51Asp; replaces glutamic acid 51 with aspartic acid.
Molecular consequence: missense variant. On other transcripts: non-coding transcript variant (1).
Genome position (GRCh38, 1-based): chr15:66,703,411, G>C. VCF-style: chr15-66703411-G-C. GRCh37 (hg19) VCF-style: chr15-66995749-G-C.
Other names: c.153G>C (NM_005585.4); short protein forms E51D.
Identifiers: ClinVar variation 2076439 (VCV002076439.7), dbSNP rs752608306, ClinGen allele CA7626443.